The following is an entry in ClinVar:

NM_000112.4(SLC26A2):c.-26+1G>T

Gene: SLC26A2 (solute carrier family 26 member 2; plus strand). Cytogenetic location: 5q32.
Variant type: single nucleotide variant.
Coding change: c.-26+1G>T on transcript NM_000112.4 (MANE Select); the canonical splice donor site of the intron after 26 bases upstream of the start codon, G replaced by T.
Molecular consequence: splice donor variant.
Genome position (GRCh38, 1-based): chr5:149,960,980, G>T. VCF-style: chr5-149960980-G-T. GRCh37 (hg19) VCF-style: chr5-149340543-G-T.
Identifiers: ClinVar variation 4532799 (VCV004532799.1).
Genomic context (GRCh38, chr5:149,960,980, plus strand): 5'-GCCACGGTGGAAGACGCGTGCCGCGGCGCCTGGTTGCCTGCAGCGGCCCGGACCCGAGAG[G>T]TGAGAAGAGGGAAGCGGACCAGGGAAGAGGGAGGGAGCGGTGCTGGCCGCCAAGCGGTCA-3'

ClinVar aggregate classification (germline): Likely pathogenic (1 of 4 stars; one submission).

Conditions:
Multiple epiphyseal dysplasia type 4 (EDM4). Also called: Multiple Epiphyseal Dysplasia, Recessive; MULTIPLE EPIPHYSEAL DYSPLASIA WITH BILAYERED PATELLAE; MULTIPLE EPIPHYSEAL DYSPLASIA WITH CLUBFOOT; MULTIPLE EPIPHYSEAL DYSPLASIA, AUTOSOMAL RECESSIVE; SLC26A2-Related Multiple Epiphyseal Dysplasia. Identifiers: Orphanet 93307, MedGen C1847593, MONDO:0009189, OMIM 226900.

Submission:

Undiagnosed Diseases Network, NIH
Classification: Likely pathogenic for Multiple epiphyseal dysplasia type 4. Last evaluated: 2025-09-22. Review status: criteria provided, single submitter. Criteria: ACMG Guidelines, 2015. Collection method: clinical testing. Allele origin: biparental. Affected: yes. Observed: 1 variant allele, 1 homozygote. Study: Undiagnosed Diseases Network (NIH), UDN.
Comment: This canonical splicing variant is predicted to disrupt normal splicing pattern (SpliceAI: 0.99, donor loss). Nearby splicing variant c.-26+2T>C has been described as disease-causing in ClinVar (ID:4097) and reported to severely reduce mRNA level of SLC26A2 (PMID: 10482955).